The following is an entry in ClinVar:

ClinVar aggregate classification (germline): Likely benign. Review status: criteria provided, multiple submitters, no conflicts (2 of 4 stars). 2 submissions from 2 submitters: Likely benign (2). Last evaluated 2025-12-11.

Conditions:
Multiple congenital anomalies-hypotonia-seizures syndrome 1 (MCAHS1). Also called: GLYCOSYLPHOSPHATIDYLINOSITOL BIOSYNTHESIS DEFECT 3; PIGN-CDG; Congenital disorder of glycosylation due to PIGN deficiency. Identifiers: Orphanet 280633, MedGen C3279775, MONDO:0013563, OMIM 614080.

Allele frequency attached by ClinVar (database versions not stated): gnomAD exomes 0.00016 and 0.00010; ExAC 0.00008; ESP Exome Variant Server 0.00008; gnomAD 0.00010 and 0.00011; TOPMed 0.00011.
gnomAD v4.1: 244 of 1,557,748 alleles (0.016%); highest among the groups gnomAD compares: Non-Finnish European, 0.019%; no homozygotes.

Submissions (2):

Labcorp Genetics (formerly Invitae), Labcorp
Classification: Likely benign for Multiple congenital anomalies-hypotonia-seizures syndrome 1. Last evaluated: 2025-12-11. Review status: criteria provided, single submitter. Criteria: Invitae Variant Classification Sherloc (09022015). Collection method: clinical testing. Allele origin: germline.

CeGaT Center for Human Genetics Tuebingen
Classification: Likely benign. Last evaluated: 2022-07-01. Review status: criteria provided, single submitter. Criteria: CeGaT Center For Human Genetics Tuebingen Variant Classification Criteria Version 2. Collection method: clinical testing. Allele origin: germline. Affected: yes. Observed: 1 variant allele.
Comment: PIGN: BP4, BP7

NM_176787.5(PIGN):c.2448T>C (p.Tyr816=)

Gene: PIGN (phosphatidylinositol glycan anchor biosynthesis class N; minus strand). Cytogenetic location: 18q21.33.
Variant type: single nucleotide variant.
Coding change: c.2448T>C on transcript NM_176787.5 (MANE Select); coding-DNA position 2448, T replaced by C.
Protein change: p.Tyr816=; no amino-acid change (tyrosine 816 retained).
Molecular consequence: synonymous variant.
Genome position (GRCh38, 1-based): chr18:62,084,585, A>G on the plus strand (T>C on the coding strand, the complement: PIGN is on the minus strand). VCF-style: chr18-62084585-A-G. GRCh37 (hg19) VCF-style: chr18-59751818-A-G.
Other names: c.2448T>C, p.Tyr816= (NM_012327.6).
Identifiers: ClinVar variation 472220 (VCV000472220.35), dbSNP rs368921294, ClinGen allele CA8981976.